The following is an entry in ClinVar:

ClinVar aggregate classification (germline): Uncertain significance (1 of 4 stars; one submission).

Allele frequency attached by ClinVar (database versions not stated): TOPMed below 0.00001.

Submission:

Labcorp Genetics (formerly Invitae), Labcorp
Classification: Uncertain significance. Last evaluated: 2023-12-27. Review status: criteria provided, single submitter. Criteria: Invitae Variant Classification Sherloc (09022015). Collection method: clinical testing. Allele origin: germline.
Comment: This sequence change replaces methionine, which is neutral and non-polar, with isoleucine, which is neutral and non-polar, at codon 1024 of the SON protein (p.Met1024Ile). This variant is not present in population databases (gnomAD no frequency). This variant has not been reported in the literature in individuals affected with SON-related conditions. An algorithm developed to predict the effect of missense changes on protein structure and function (PolyPhen-2) suggests that this variant is likely to be disruptive. In summary, the available evidence is currently insufficient to determine the role of this variant in disease. Therefore, it has been classified as a Variant of Uncertain Significance.

NM_138927.4(SON):c.3072G>A (p.Met1024Ile)

Gene: SON (SON DNA and RNA binding protein; plus strand). Cytogenetic location: 21q22.11.
Variant type: single nucleotide variant.
Coding change: c.3072G>A on transcript NM_138927.4 (MANE Select); coding-DNA position 3072, G replaced by A.
Protein change: p.Met1024Ile; replaces methionine 1024 with isoleucine.
Molecular consequence: missense variant. On other transcripts: non-coding transcript variant (1), intron variant (1).
Genome position (GRCh38, 1-based): chr21:33,552,303, G>A. VCF-style: chr21-33552303-G-A. GRCh37 (hg19) VCF-style: chr21-34924609-G-A.
Other names: c.3072G>A, p.Met1024Ile (NM_001291411.2, NM_001412133.1, NM_032195.3 and 2 more transcripts); c.245-4853G>A (NM_001291412.3); short protein forms M1024I.
Identifiers: ClinVar variation 3002087 (VCV003002087.3), dbSNP rs2085817403, ClinGen allele CA410159392.